The following is an entry in ClinVar:

ClinVar aggregate classification (germline): Uncertain significance (1 of 4 stars; one submission).

Conditions:
Arrhythmogenic right ventricular dysplasia 13. Also called: ARRHYTHMOGENIC RIGHT VENTRICULAR CARDIOMYOPATHY 13; Arrhythmogenic right ventricular dysplasia, familial, 13. Identifiers: MedGen C3810138, MONDO:0000908, OMIM 615616.

Submission:

Labcorp Genetics (formerly Invitae), Labcorp
Classification: Uncertain significance for Arrhythmogenic right ventricular dysplasia, familial, 13. Last evaluated: 2018-05-01. Review status: criteria provided, single submitter. Criteria: Invitae Variant Classification Sherloc (09022015). Collection method: clinical testing. Allele origin: germline.
Comment: This variant is an in-frame deletion of the genomic region encompassing exon 8 of the CTNNA3 gene. It preserves the integrity of the reading frame. This variant has not been reported in the literature in individuals with CTNNA3-related disease. Experimental studies and prediction algorithms are not available for this variant, and the functional significance of the deleted amino acids is currently unknown. In summary, the available evidence is currently insufficient to determine the role of this variant in disease. Therefore, it has been classified as a Variant of Uncertain Significance.

NC_000010.11:g.(?_66775424)_(66775544_?)del

Gene: CTNNA3 (catenin alpha 3; minus strand). Cytogenetic location: 10q21.3.
Variant type: Deletion.
Identifiers: ClinVar variation 584407 (VCV000584407.1).